The following is an entry in ClinVar:

NM_004304.5(ALK):c.4750T>G (p.Tyr1584Asp)

Gene: ALK (ALK receptor tyrosine kinase; minus strand). Cytogenetic location: 2p23.2.
Variant type: single nucleotide variant.
Coding change: c.4750T>G on transcript NM_004304.5 (MANE Select); coding-DNA position 4750, T replaced by G.
Protein change: p.Tyr1584Asp; replaces tyrosine 1584 with aspartic acid.
Molecular consequence: missense variant.
Genome position (GRCh38, 1-based): chr2:29,193,337, A>C on the plus strand (T>G on the coding strand, the complement: ALK is on the minus strand). VCF-style: chr2-29193337-A-C. GRCh37 (hg19) VCF-style: chr2-29416203-A-C.
Other names: c.1546T>G, p.Tyr516Asp (NM_001353765.2); short protein forms Y1584D, Y516D.
Identifiers: ClinVar variation 4843253 (VCV004843253.1).
Genomic context (GRCh38, chr2:29,193,337, plus strand): 5'-AATGACCAGCTCCAGGGGCAGTAGCGGCTTCTAAGGGCAAGCCCTGTTGCTGGTAGCCGT[A>C]ATTGACATTCCCACAAGGGAAGTGACGTAGCCTGAACAGAGGTACCTCCTTCATATTGGC-3'
Protein context (NP_004295.2, residues 1574-1594): LRHFPCGNVN[Tyr1584Asp]GYQQQGLPLE

ClinVar aggregate classification (germline): Uncertain significance (1 of 4 stars; one submission).

Conditions:
Hereditary cancer-predisposing syndrome. Also called: Neoplastic Syndromes, Hereditary; Tumor predisposition; Hereditary Cancer Syndrome; Hereditary neoplastic syndrome. Identifiers: Orphanet 140162, MedGen C0027672, MeSH D009386, MONDO:0015356.

Submission:

Ambry Genetics
Classification: Uncertain significance for Hereditary cancer-predisposing syndrome. Last evaluated: 2025-12-28. Review status: criteria provided, single submitter. Criteria: Ambry Variant Classification Scheme 2023. Collection method: clinical testing. Allele origin: germline.
Comment: The p.Y1584D variant (also known as c.4750T>G), located in coding exon 29 of the ALK gene, results from a T to G substitution at nucleotide position 4750. The tyrosine at codon 1584 is replaced by aspartic acid, an amino acid with highly dissimilar properties. This amino acid position is conserved. In addition, the in silico prediction for this alteration is inconclusive. Based on the available evidence, the clinical significance of this variant remains unclear.